The following is an entry in ClinVar:

ClinVar aggregate classification (germline): Uncertain significance (1 of 4 stars; one submission).

Conditions:
Muscular dystrophy-dystroglycanopathy (congenital with brain and eye anomalies), type A, 7. Also called: WALKER-WARBURG SYNDROME OR MUSCLE-EYE-BRAIN DISEASE, ISPD-RELATED; Congenital muscular dystrophy-dystroglycanopathy with brain and eye anomalies, type A7. Identifiers: Orphanet 899, MedGen C3553330, MONDO:0013835, OMIM 614643.
Autosomal recessive limb-girdle muscular dystrophy type 2U. Also called: Muscular dystrophy-dystroglycanopathy (limb-girdle), type c, 7; MUSCULAR DYSTROPHY, LIMB-GIRDLE, TYPE 2U. Identifiers: Orphanet 352479, MedGen C5190987, MONDO:0014474, OMIM 616052.

Submission:

Labcorp Genetics (formerly Invitae), Labcorp
Classification: Uncertain significance for Muscular dystrophy-dystroglycanopathy (congenital with brain and eye anomalies), type A, 7; Autosomal recessive limb-girdle muscular dystrophy type 2U. Last evaluated: 2021-05-19. Review status: criteria provided, single submitter. Criteria: Invitae Variant Classification Sherloc (09022015). Collection method: clinical testing. Allele origin: germline.
Comment: In summary, the available evidence is currently insufficient to determine the role of this variant in disease. Therefore, it has been classified as a Variant of Uncertain Significance. Algorithms developed to predict the effect of missense changes on protein structure and function (SIFT, PolyPhen-2, Align-GVGD) all suggest that this variant is likely to be tolerated, but these predictions have not been confirmed by published functional studies and their clinical significance is uncertain. This variant has not been reported in the literature in individuals with ISPD-related conditions. This variant is not present in population databases (ExAC no frequency). This sequence change replaces serine with asparagine at codon 361 of the ISPD protein (p.Ser361Asn). The serine residue is moderately conserved and there is a small physicochemical difference between serine and asparagine.

NM_001101426.4(CRPPA):c.1082G>A (p.Ser361Asn)

Genes: CRPPA-AS1 (CRPPA antisense RNA 1; plus strand), CRPPA (CDP-L-ribitol pyrophosphorylase A; minus strand). Cytogenetic location: 7p21.2.
Variant type: single nucleotide variant.
Coding change: c.1082G>A on transcript NM_001101426.4 (MANE Select); coding-DNA position 1082, G replaced by A.
Protein change: p.Ser361Asn; replaces serine 361 with asparagine.
Molecular consequence: missense variant. On other transcripts: non-coding transcript variant (1).
Genome position (GRCh38, 1-based): chr7:16,258,427, C>T on the plus strand (G>A on the coding strand, the complement: CRPPA is on the minus strand). VCF-style: chr7-16258427-C-T. GRCh37 (hg19) VCF-style: chr7-16298052-C-T.
Other names: c.932G>A, p.Ser311Asn (NM_001101417.4); c.977G>A, p.Ser326Asn (NM_001368197.1); short protein forms S311N, S326N, S361N.
Identifiers: ClinVar variation 1680755 (VCV001680755.8), dbSNP rs2128412318, ClinGen allele CA367000550.